The following is an entry in ClinVar:

ClinVar aggregate classification (germline): Likely benign (1 of 4 stars; one submission).

Submission:

CeGaT Center for Human Genetics Tuebingen
Classification: Likely benign. Last evaluated: 2025-12-01. Review status: criteria provided, single submitter. Criteria: CeGaT Center For Human Genetics Tuebingen Variant Classification Criteria Version 2. Collection method: clinical testing. Allele origin: germline. Affected: yes. Observed: 1 variant allele.
Comment: KMT2A: PM2:Supporting, BP4, BP7

NM_001197104.2(KMT2A):c.2094A>G (p.Arg698=)

Gene: KMT2A (lysine methyltransferase 2A; plus strand). Cytogenetic location: 11q23.3.
Variant type: single nucleotide variant.
Coding change: c.2094A>G on transcript NM_001197104.2 (MANE Select); coding-DNA position 2094, A replaced by G.
Protein change: p.Arg698=; no amino-acid change (arginine 698 retained).
Molecular consequence: synonymous variant.
Genome position (GRCh38, 1-based): chr11:118,473,253, A>G. VCF-style: chr11-118473253-A-G. GRCh37 (hg19) VCF-style: chr11-118343968-A-G.
Other names: c.2193A>G, p.Arg731= (NM_001412597.1); c.2094A>G, p.Arg698= (NM_005933.4).
Identifiers: ClinVar variation 4681372 (VCV004681372.5).